The following is an entry in ClinVar:

ClinVar aggregate classification (germline): Pathogenic/Likely pathogenic. Review status: criteria provided, multiple submitters, no conflicts (2 of 4 stars). 4 submissions from 4 submitters: Pathogenic (3); Likely pathogenic (1). Last evaluated 2023-03-27.

Conditions:
Rare genetic deafness. Identifiers: Orphanet 96210, MedGen C5680250.
Usher syndrome. Also called: Usher's syndrome; Usher Syndromes. Identifiers: Orphanet 886, MedGen CN469326, MeSH D052245, MONDO:0019501. Disease mechanism: loss of function.

Submissions (4):

Labcorp Genetics (formerly Invitae), Labcorp
Classification: Pathogenic. Last evaluated: 2023-03-27. Review status: criteria provided, single submitter. Criteria: Invitae Variant Classification Sherloc (09022015). Collection method: clinical testing. Allele origin: germline.
Comment: This sequence change creates a premature translational stop signal (p.Cys1198Argfs*30) in the MYO7A gene. It is expected to result in an absent or disrupted protein product. Loss-of-function variants in MYO7A are known to be pathogenic (PMID: 8900236, 25404053). This variant is present in population databases (rs797044564, gnomAD 0.006%). This premature translational stop signal has been observed in individual(s) with Usher syndrome (PMID: 26355662). ClinVar contains an entry for this variant (Variation ID: 228378). For these reasons, this variant has been classified as Pathogenic.

SN ONGC Dept of Genetics and Molecular biology Vision Research Foundation
Classification: Pathogenic for Usher syndrome. Last evaluated: 2022-12-31. Review status: criteria provided, single submitter. Criteria: ACMG Guidelines, 2015. Collection method: research. Allele origin: unknown. Affected: yes. Observed: 3 variant alleles, 3 homozygotes.

Laboratory for Molecular Medicine, Mass General Brigham Personalized Medicine
Classification: Pathogenic for Rare genetic deafness. Last evaluated: 2015-05-28. Review status: criteria provided, single submitter. Criteria: LMM Criteria. Collection method: clinical testing. Allele origin: germline. Observed: 1 variant allele.
Comment: The p.Cys1198fs variant in MYO7A has not been previously reported in individuals with hearing loss or Usher syndrome or in large population studies, though the ability of these studies to accurately detect indels may be limited. This varia nt is predicted to cause a frameshift, which alters the protein?s amino acid seq uence beginning at position 1198 and leads to a premature termination codon 30 a mino acids downstream. This alteration is then predicted to lead to a truncated or absent protein. Truncating or loss of function variants in the MYO7A gene ar e an established disease mechanism for Usher syndrome. In summary, this variant meets our criteria to be classified as pathogenic for Usher syndrome in an auto somal recessive manner based on its predicted impact to the protein.

Genomic Medicine Center of Excellence, King Faisal Specialist Hospital and Research Centre
Classification: Likely pathogenic. Review status: criteria provided, single submitter. Criteria: ACMG Guidelines, 2015. Collection method: research. Allele origin: germline. Affected: yes.

Literature cited by the submitters: PubMed 8900236 (cited by Labcorp Genetics (formerly Invitae), Labcorp); PubMed 25404053 (cited by Labcorp Genetics (formerly Invitae), Labcorp); PubMed 26355662 (cited by Labcorp Genetics (formerly Invitae), Labcorp).

NM_000260.4(MYO7A):c.3591_3592del (p.Cys1198fs)

Gene: MYO7A (myosin VIIA; plus strand). Cytogenetic location: 11q13.5.
Variant type: Microsatellite.
Coding change: c.3591_3592del on transcript NM_000260.4 (MANE Select); coding-DNA positions 3591 to 3592, 2 bases deleted (CT; older notation c.3591_3592delCT).
Protein change: p.Cys1198fs; shifts the reading frame from cysteine 1198.
Molecular consequence: frameshift variant.
Genome position (GRCh38, 1-based): chr11:77,189,431-77,189,432, CT deleted; deleting any 2 consecutive bases within chr11:77,189,426-77,189,432 gives the same sequence; the c. name uses the placement nearest the transcript's 3' end. VCF-style (leftmost placement, unchanged base first): chr11-77189425-GTC-G. GRCh37 (hg19) VCF-style: chr11-76900470-GTC-G.
Other names: c.3591_3592del, p.Cys1198fs (NM_001127180.2); c.3558_3559del, p.Cys1187fs (NM_001369365.1); short protein forms C1187fs, C1198fs.
Identifiers: ClinVar variation 228378 (VCV000228378.31), dbSNP rs1555090368, ClinGen allele CA236388.